The following is an entry in ClinVar:

NM_001429.4(EP300):c.4650GAA[1] (p.Lys1551del)

Gene: EP300 (EP300 lysine acetyltransferase; plus strand). Cytogenetic location: 22q13.2.
Variant type: Microsatellite.
Coding change: c.4650GAA[1] on transcript NM_001429.4 (MANE Select); one copy of the 3-base unit GAA starting at c.4650; the reference has two copies in a row; one copy, 3 bases deleted.
Protein change: p.Lys1551del; deletes lysine 1551.
Molecular consequence: inframe deletion.
Genome position (GRCh38, 1-based): chr22:41,173,658-41,173,660, GAA deleted; deleting any 3 consecutive bases within chr22:41,173,653-41,173,660 gives the same sequence; the position shown is the placement nearest the transcript's 3' end. VCF-style (leftmost placement, unchanged base first): chr22-41173652-AAAG-A. GRCh37 (hg19) VCF-style: chr22-41569656-AAAG-A.
Other names: c.4572GAA[1], p.Lys1525del (NM_001362843.2); short protein forms K1525del, K1551del.
Identifiers: ClinVar variation 2629852 (VCV002629852.2), dbSNP rs1203386248, ClinGen allele CA753238752.

ClinVar aggregate classification (germline): Uncertain significance (1 of 4 stars; one submission).

Conditions:
EP300-related disorder. Also called: EP300-related disorders; EP300-related condition.

Submission:

PreventionGenetics, part of Exact Sciences
Classification: Uncertain significance for EP300-related condition. Last evaluated: 2025-12-22. Review status: criteria provided, single submitter. Criteria: ACMG Guidelines, 2015. Collection method: clinical testing. Allele origin: germline.
Comment: The EP300 c.4653_4655delGAA variant is predicted to result in an in-frame deletion (p.Lys1551del). To our knowledge, this variant has not been reported in the literature or in a large population database (gnomAD), indicating this variant is rare. At this time, the clinical significance of this variant is uncertain due to the absence of conclusive functional and genetic evidence.